The following is an entry in ClinVar:

NM_001393769.1(MED12L):c.3233C>G (p.Thr1078Ser)

Genes: MED12L (mediator complex subunit 12L; plus strand), P2RY12 (purinergic receptor P2Y12; minus strand). Cytogenetic location: 3q25.1.
Variant type: single nucleotide variant.
Coding change: c.3233C>G on transcript NM_001393769.1 (MANE Select); coding-DNA position 3233, C replaced by G.
Protein change: p.Thr1078Ser; replaces threonine 1078 with serine.
Molecular consequence: missense variant. On other transcripts: intron variant (1).
Genome position (GRCh38, 1-based): chr3:151,365,897, C>G. VCF-style: chr3-151365897-C-G. GRCh37 (hg19) VCF-style: chr3-151083685-C-G.
Other names: c.3128C>G, p.Thr1043Ser (NM_053002.6); c.-180+18795G>C (NM_022788.5); short protein forms T1043S, T1078S.
Identifiers: ClinVar variation 2632276 (VCV002632276.1), dbSNP rs2473681844, ClinGen allele CA354969620.

ClinVar aggregate classification (germline): Uncertain significance (1 of 4 stars; one submission).

Conditions:
MED12L-related disorder. Also called: MED12L-related condition.

Allele frequency attached by ClinVar (database versions not stated): gnomAD exomes 0.00001.
gnomAD v4.1: 5 of 1,613,514 alleles (0.00031%); highest among the groups gnomAD compares: Non-Finnish European, 0.00042%; no homozygotes.

Submission:

PreventionGenetics, part of Exact Sciences
Classification: Uncertain significance for MED12L-related condition. Last evaluated: 2023-05-30. Review status: criteria provided, single submitter. Criteria: ACMG Guidelines, 2015. Collection method: clinical testing. Allele origin: germline.
Comment: The MED12L c.3128C>G variant is predicted to result in the amino acid substitution p.Thr1043Ser. To our knowledge, this variant has not been reported in the literature or in a large population database, indicating this variant is rare. At this time, the clinical significance of this variant is uncertain due to the absence of conclusive functional and genetic evidence.